The following is an entry in ClinVar:

NM_002137.4(HNRNPA2B1):c.233T>C (p.Val78Ala)

Gene: HNRNPA2B1 (heterogeneous nuclear ribonucleoprotein A2/B1; minus strand). Cytogenetic location: 7p15.2.
Variant type: single nucleotide variant.
Coding change: c.233T>C on transcript NM_002137.4 (MANE Select); coding-DNA position 233, T replaced by C.
Protein change: p.Val78Ala; replaces valine 78 with alanine.
Molecular consequence: missense variant.
Genome position (GRCh38, 1-based): chr7:26,197,346, A>G on the plus strand (T>C on the coding strand, the complement: HNRNPA2B1 is on the minus strand). VCF-style: chr7-26197346-A-G. GRCh37 (hg19) VCF-style: chr7-26236966-A-G.
Other names: c.269T>C, p.Val90Ala (NM_031243.4); short protein forms V78A, V90A.
Identifiers: ClinVar variation 1447922 (VCV001447922.6), dbSNP rs2128123592, ClinGen allele CA367081308.
Genomic context (GRCh38, chr7:26,197,346, plus strand): 5'-AATGCACAAGACAGTCATTGTTTGCTTACCTCTCTTGCTACAGCACGTTTTGGCTCAACT[A>G]CTCTCCCATCAATTGAATGAGGTCTTGCAGCCATGGCAGCATCAACCTCAGCCATGGATG-3'
Protein context (NP_002128.1, residues 68-88): AARPHSIDGR[Val78Ala]VEPKRAVARE

ClinVar aggregate classification (germline): Uncertain significance (1 of 4 stars; one submission).

Conditions:
Inclusion body myopathy with early-onset Paget disease with or without frontotemporal dementia 2 (IBMPFD2). Also called: MULTISYSTEM PROTEINOPATHY 2. Identifiers: MedGen C3809468, MONDO:0014178, OMIM 615422.

Submission:

Labcorp Genetics (formerly Invitae), Labcorp
Classification: Uncertain significance for Inclusion body myopathy with early-onset Paget disease with or without frontotemporal dementia 2. Last evaluated: 2021-08-23. Review status: criteria provided, single submitter. Criteria: Invitae Variant Classification Sherloc (09022015). Collection method: clinical testing. Allele origin: germline.
Comment: This sequence change replaces valine with alanine at codon 90 of the HNRNPA2B1 protein (p.Val90Ala). The valine residue is highly conserved and there is a small physicochemical difference between valine and alanine. This variant is not present in population databases (ExAC no frequency). This variant has not been reported in the literature in individuals affected with HNRNPA2B1-related conditions. Algorithms developed to predict the effect of missense changes on protein structure and function (SIFT, PolyPhen-2, Align-GVGD) all suggest that this variant is likely to be disruptive. In summary, the available evidence is currently insufficient to determine the role of this variant in disease. Therefore, it has been classified as a Variant of Uncertain Significance.